The following is an entry in ClinVar:

NM_020778.5(ALPK3):c.385A>C (p.Thr129Pro)

Gene: ALPK3 (alpha kinase 3; plus strand). Cytogenetic location: 15q25.3.
Variant type: single nucleotide variant.
Coding change: c.385A>C on transcript NM_020778.5 (MANE Select); coding-DNA position 385, A replaced by C.
Protein change: p.Thr129Pro; replaces threonine 129 with proline.
Molecular consequence: missense variant.
Genome position (GRCh38, 1-based): chr15:84,839,060, A>C. VCF-style: chr15-84839060-A-C. GRCh37 (hg19) VCF-style: chr15-85382291-A-C.
Other names: short protein forms T129P.
Identifiers: ClinVar variation 3723079 (VCV003723079.2).

ClinVar aggregate classification (germline): Uncertain significance (1 of 4 stars; one submission).

Submission:

Labcorp Genetics (formerly Invitae), Labcorp
Classification: Uncertain significance. Last evaluated: 2024-10-16. Review status: criteria provided, single submitter. Criteria: Invitae Variant Classification Sherloc (09022015). Collection method: clinical testing. Allele origin: germline.
Comment: This sequence change replaces threonine, which is neutral and polar, with proline, which is neutral and non-polar, at codon 331 of the ALPK3 protein (p.Thr331Pro). This variant is not present in population databases (gnomAD no frequency). This variant has not been reported in the literature in individuals affected with ALPK3-related conditions. An algorithm developed to predict the effect of missense changes on protein structure and function (PolyPhen-2) suggests that this variant is likely to be disruptive. In summary, the available evidence is currently insufficient to determine the role of this variant in disease. Therefore, it has been classified as a Variant of Uncertain Significance.